The following is an entry in ClinVar:

NM_001267550.2(TTN):c.3445G>A (p.Asp1149Asn)

Gene: TTN (titin; minus strand). Cytogenetic location: 2q31.2.
Variant type: single nucleotide variant.
Coding change: c.3445G>A on transcript NM_001267550.2 (MANE Select); coding-DNA position 3445, G replaced by A.
Protein change: p.Asp1149Asn; replaces aspartic acid 1149 with asparagine.
Molecular consequence: missense variant.
Genome position (GRCh38, 1-based): chr2:178,781,199, C>T on the plus strand (G>A on the coding strand, the complement: TTN is on the minus strand). VCF-style: chr2-178781199-C-T. GRCh37 (hg19) VCF-style: chr2-179645926-C-T.
Other names: c.3445G>A, p.Asp1149Asn (NM_001256850.1, NM_133378.4, NM_133379.5); c.3307G>A, p.Asp1103Asn (NM_003319.4, NM_133432.3, NM_133437.4); short protein forms D1149N, D1103N.
Identifiers: ClinVar variation 166330 (VCV000166330.7), dbSNP rs368967197, ClinGen allele CA179371.

ClinVar aggregate classification (germline): Conflicting classifications of pathogenicity. Review status: criteria provided, conflicting classifications (1 of 4 stars). 2 submissions from 2 submitters: Uncertain significance (1); Likely benign (1). Last evaluated 2019-02-27.

Allele frequency attached by ClinVar (database versions not stated): ExAC 0.00001; gnomAD exomes 0.00001; TOPMed 0.00002; ESP Exome Variant Server 0.00008; 1000 Genomes Project 30x 0.00016; 1000 Genomes Project 0.00020.
gnomAD v4.1: 12 of 1,614,042 alleles (0.00074%); highest among the groups gnomAD compares: African/African-American, 0.015%; no homozygotes.

Submissions (2):

Laboratory for Molecular Medicine, Mass General Brigham Personalized Medicine
Classification: Uncertain significance. Last evaluated: 2019-02-27. Review status: criteria provided, single submitter. Criteria: LMM Criteria. Collection method: clinical testing. Allele origin: germline. Observed: 2 variant alleles.
Comment: Variant classified as Uncertain Significance - Favor Benign. It has been identified in 0.016% (4/24970) of African chromosomes by gnomAD. Computational prediction tools and conservation analysis do not provide strong support for or against an impact to the protein. In summary, while the clinical significance of this variant is uncertain, its frequency suggests that it is more likely to be benign. ACMG/AMP Criteria applied: BS1_Supporting.

GeneDx
Classification: Likely benign. Last evaluated: 2017-11-30. Review status: criteria provided, single submitter. Criteria: GeneDx Variant Classification (06012015). Collection method: clinical testing. Allele origin: germline. Affected: yes.
Comment: This variant is considered likely benign or benign based on one or more of the following criteria: it is a conservative change, it occurs at a poorly conserved position in the protein, it is predicted to be benign by multiple in silico algorithms, and/or has population frequency not consistent with disease.